The following is an entry in ClinVar:

ClinVar aggregate classification (germline): Uncertain significance. Review status: criteria provided, multiple submitters, no conflicts (2 of 4 stars). 2 submissions from 2 submitters: Uncertain significance (2). Last evaluated 2024-11-03.

Conditions:
POLD1-related polyposis and colorectal cancer syndrome (CRCS10). Also called: Colorectal cancer 10; COLORECTAL CANCER, SUSCEPTIBILITY TO, ON CHROMOSOME 19q; Colorectal cancer, susceptibility to, 10. Identifiers: Orphanet 220460, MedGen C2675481, MONDO:0012953, OMIM 612591.

Submissions (2):

KCCC/NGS Laboratory, Kuwait Cancer Control Center
Classification: Uncertain significance for POLD1-related polyposis and colorectal cancer syndrome. Last evaluated: 2024-11-03. Review status: criteria provided, single submitter. Criteria: ACMG Guidelines, 2015. Collection method: clinical testing. Allele origin: germline. Inheritance: Autosomal dominant inheritance. Affected: yes. Observed: 1 heterozygote.
Comment: This sequence change replaces serine with glycine at codon 173 of the POLD1 protein (p.Ser173Gly). The serine residue is weakly conserved and there is a small physicochemical difference between serine and glycine. This variant is not present in population databases (gnomAD) nor in our local database . This variant has not been reported in the literature in individuals with POLD1-related conditions. In silico analysis supports that this missense variant does not alter protein structure/function, but these predictions have not been confirmed by published functional studies and their clinical significance is uncertain. In summary, the available evidence is currently insufficient to determine the role of this variant in disease. Therefore, it has been classified as a Variant of Uncertain Significance. Pathogenic/likely pathogenic mutations in the POLD1 gene cause susceptibility to colorectal cancer (OMIM# 612591 ).

Labcorp Genetics (formerly Invitae), Labcorp
Classification: Uncertain significance for POLD1-related polyposis and colorectal cancer syndrome. Last evaluated: 2020-08-26. Review status: criteria provided, single submitter. Criteria: Invitae Variant Classification Sherloc (09022015). Collection method: clinical testing. Allele origin: germline.
Comment: This sequence change replaces serine with glycine at codon 173 of the POLD1 protein (p.Ser173Gly). The serine residue is weakly conserved and there is a small physicochemical difference between serine and glycine. This variant is not present in population databases (ExAC no frequency). This variant has not been reported in the literature in individuals with POLD1-related conditions. Algorithms developed to predict the effect of missense changes on protein structure and function (SIFT, PolyPhen-2, Align-GVGD) all suggest that this variant is likely to be tolerated, but these predictions have not been confirmed by published functional studies and their clinical significance is uncertain. In summary, the available evidence is currently insufficient to determine the role of this variant in disease. Therefore, it has been classified as a Variant of Uncertain Significance.

NM_002691.4(POLD1):c.517A>G (p.Ser173Gly)

Gene: POLD1 (DNA polymerase delta 1, catalytic subunit; plus strand). Cytogenetic location: 19q13.33.
Variant type: single nucleotide variant.
Coding change: c.517A>G on transcript NM_002691.4 (MANE Select); coding-DNA position 517, A replaced by G.
Protein change: p.Ser173Gly; replaces serine 173 with glycine.
Molecular consequence: missense variant. On other transcripts: non-coding transcript variant (1).
Genome position (GRCh38, 1-based): chr19:50,402,052, A>G. VCF-style: chr19-50402052-A-G. GRCh37 (hg19) VCF-style: chr19-50905309-A-G.
Other names: c.517A>G, p.Ser173Gly (NM_001256849.1, NM_001308632.1); short protein forms S173G.
Identifiers: ClinVar variation 1047225 (VCV001047225.9), dbSNP rs2038661027, ClinGen allele CA406973123.
Genomic context (GRCh38, chr19:50,402,052, plus strand): 5'-ACACCAGGTTTCGGGCCCGAGCACATGGGTGACCTGCAACGGGAGCTGAACTTGGCCATC[A>G]GCCGGGACAGTCGCGGGGGGAGGGAGCTGACTGGGCCGGCCGTGCTGGCTGTGGAACTGT-3'
Protein context (NP_002682.2, residues 163-183): DLQRELNLAI[Ser173Gly]RDSRGGRELT